The following is an entry in ClinVar:

NM_000440.3(PDE6A):c.2302G>T (p.Glu768Ter)

Gene: PDE6A (phosphodiesterase 6A; minus strand). Cytogenetic location: 5q32.
Variant type: single nucleotide variant.
Coding change: c.2302G>T on transcript NM_000440.3 (MANE Select); coding-DNA position 2302, G replaced by T.
Protein change: p.Glu768Ter; replaces glutamic acid 768 with a stop codon.
Molecular consequence: nonsense.
Genome position (GRCh38, 1-based): chr5:149,866,226, C>A on the plus strand (G>T on the coding strand, the complement: PDE6A is on the minus strand). VCF-style: chr5-149866226-C-A. GRCh37 (hg19) VCF-style: chr5-149245789-C-A.
Other names: short protein forms E768*.
Identifiers: ClinVar variation 865985 (VCV000865985.18), dbSNP rs759563967, ClinGen allele CA3504330.

ClinVar aggregate classification (germline): Pathogenic. Review status: criteria provided, multiple submitters, no conflicts (2 of 4 stars). 5 submissions from 5 submitters: Pathogenic (5). Last evaluated 2025-10-14.

Conditions:
PDE6A-related disorder. Also called: PDE6A-related condition.
Retinitis pigmentosa 43 (RP43). Identifiers: Orphanet 791, MedGen C3151139, MONDO:0013437, OMIM 613810.

Allele frequency attached by ClinVar (database versions not stated): gnomAD 0.00001; ExAC 0.00002; gnomAD exomes 0.00003 and 0.00004; TOPMed 0.00003.
gnomAD v4.1: 17 of 1,613,966 alleles (0.0011%); highest among the groups gnomAD compares: Admixed American, 0.023%; no homozygotes.

Submissions (5):

Labcorp Genetics (formerly Invitae), Labcorp
Classification: Pathogenic. Last evaluated: 2025-10-14. Review status: criteria provided, single submitter. Criteria: Invitae Variant Classification Sherloc (09022015). Collection method: clinical testing. Allele origin: germline.
Comment: This sequence change creates a premature translational stop signal (p.Glu768*) in the PDE6A gene. It is expected to result in an absent or disrupted protein product. Loss-of-function variants in PDE6A are known to be pathogenic (PMID: 7493036, 22128245, 23847139). This variant is present in population databases (rs759563967, gnomAD 0.03%). This premature translational stop signal has been observed in individual(s) with retinitis pigmentosa (PMID: 31736247). ClinVar contains an entry for this variant (Variation ID: 865985). Algorithms developed to predict the effect of sequence changes on RNA splicing suggest that this variant may disrupt the consensus splice site. For these reasons, this variant has been classified as Pathogenic.

PreventionGenetics, part of Exact Sciences
Classification: Pathogenic for PDE6A-related condition. Last evaluated: 2024-10-31. Review status: criteria provided, single submitter. Criteria: ACMG Guidelines, 2015. Collection method: clinical testing. Allele origin: germline.
Comment: The PDE6A c.2302G>T variant is predicted to result in premature protein termination (p.Glu768*). This variant has been reported in the homozygous state in an individual with retinal disease (Zenteno et al. 2020. PubMed ID: 31736247). This variant is reported in 0.032% of alleles in individuals of Latino descent in gnomAD. Nonsense variants in PDE6A are an established mechanism of disease. This variant is interpreted as pathogenic.

Revvity Omics, Revvity
Classification: Pathogenic for Retinitis pigmentosa 43. Last evaluated: 2024-10-17. Review status: criteria provided, single submitter. Criteria: ACMG Guidelines, 2015. Collection method: clinical testing. Allele origin: germline.

3billion
Classification: Pathogenic for Retinitis pigmentosa 43. Last evaluated: 2023-07-24. Review status: criteria provided, single submitter. Criteria: ACMG Guidelines, 2015. Collection method: clinical testing. Allele origin: germline. Affected: yes.
Comment: The variant is observed at an extremely low frequency in the gnomAD v2.1.1 dataset (total allele frequency: 0.004%). Predicted Consequence/Location: Stop-gained (nonsense): predicted to result in a loss or disruption of normal protein function through nonsense-mediated decay (NMD) or protein truncation. Multiple pathogenic variants are reported downstream of the variant. The variant has been reported at least twice as pathogenic without evidence for the classification (ClinVar ID: VCV000865985 /PMID: 31736247). Therefore, this variant is classified as Pathogenic according to the recommendation of ACMG/AMP guideline.

Blueprint Genetics
Classification: Pathogenic for PDE6A-related disorders. Last evaluated: 2022-11-04. Review status: criteria provided, single submitter. Criteria: ACMG Guidelines, 2015. Collection method: clinical testing. Allele origin: germline. Affected: yes. Observed: 5 variant alleles.

Literature cited by the submitters: PubMed 7493036 (cited by Labcorp Genetics (formerly Invitae), Labcorp); PubMed 22128245 (cited by Labcorp Genetics (formerly Invitae), Labcorp); PubMed 23847139 (cited by Labcorp Genetics (formerly Invitae), Labcorp); PubMed 31736247 (cited by Labcorp Genetics (formerly Invitae), Labcorp and 3billion).